The following is an entry in ClinVar:

NM_007279.3(U2AF2):c.449G>A (p.Arg150His)

Gene: U2AF2 (U2 small nuclear RNA auxiliary factor 2; plus strand). Cytogenetic location: 19q13.42.
Variant type: single nucleotide variant.
Coding change: c.449G>A on transcript NM_007279.3 (MANE Select); coding-DNA position 449, G replaced by A.
Protein change: p.Arg150His; replaces arginine 150 with histidine.
Molecular consequence: missense variant.
Genome position (GRCh38, 1-based): chr19:55,661,152, G>A. VCF-style: chr19-55661152-G-A. GRCh37 (hg19) VCF-style: chr19-56172518-G-A.
Other names: c.449G>A, p.Arg150His (NM_001012478.2); short protein forms R150H.
Identifiers: ClinVar variation 2523117 (VCV002523117.4), dbSNP rs2514215278, ClinGen allele CA407561987.
Genomic context (GRCh38, chr19:55,661,152, plus strand): 5'-TGGCTGTGACCCCAACGCCGGTGCCCGTGGTCGGGAGCCAGATGACCAGACAAGCCCGGC[G>A]CCTCTACGTGGGCAACATCCCCTTTGGCATCACTGAGGTACTGCCCTCCCCTGCCCCCTA-3'
Protein context (NP_009210.1, residues 140-160): VGSQMTRQAR[Arg150His]LYVGNIPFGI

ClinVar aggregate classification (germline): Pathogenic/Likely pathogenic. Review status: criteria provided, multiple submitters, no conflicts (2 of 4 stars). 3 submissions from 3 submitters: Pathogenic (2); Likely pathogenic (1). Last evaluated 2026-02-23.

Conditions:
Developmental delay, dysmorphic facies, and brain anomalies. Identifiers: MedGen C5882698, MONDO:0957810, OMIM 620535.
Inborn genetic diseases. Identifiers: MedGen C0950123, MeSH D030342.

Submissions (3):

GeneDx
Classification: Pathogenic. Last evaluated: 2026-02-23. Review status: criteria provided, single submitter. Criteria: GeneDx Variant Classification Process June 2021. Collection method: clinical testing. Allele origin: germline.
Comment: Published functional studies suggest a damaging effect on splicing (PMID: 37962958, 39388459); In silico analysis supports that this missense variant has a deleterious effect on protein structure/function; Not observed at significant frequency in large population cohorts (gnomAD); This variant is associated with the following publications: (PMID: 33004838, 37962958, 39388459)

Intergen Genetics and Rare Diseases Diagnosis Center
Classification: Likely pathogenic for Developmental delay, dysmorphic facies, and brain anomalies. Last evaluated: 2025-11-21. Review status: criteria provided, single submitter. Criteria: ACMG Guidelines, 2015. Collection method: clinical testing. Allele origin: de novo. Inheritance: Autosomal dominant inheritance. Affected: yes. Observed: 1 heterozygote.
Comment: The detected variant was confirmed in the parents and identified as de novo. Based on the criteria PM2, PM5, PP2, PP3, PP5, and PM6, it was classified as likely pathogenic. Developmental delay, intellectual disability, bilateral cleft lip and palate, maxillary hypoplasia, down-slanting palpebral fissures, and deformity of the left ear.

Ambry Genetics
Classification: Pathogenic for Inborn genetic diseases. Last evaluated: 2024-05-17. Review status: criteria provided, single submitter. Criteria: Ambry Variant Classification Scheme 2023. Collection method: clinical testing. Allele origin: germline.
Comment: The c.449G>A (p.R150H) alteration is located in exon 5 (coding exon 5) of the U2AF2 gene. This alteration results from a G to A substitution at nucleotide position 449, causing the arginine (R) at amino acid position 150 to be replaced by a histidine (H). This variant was not reported in population-based cohorts in the Genome Aggregation Database (gnomAD). This variant has been determined to be the result of a de novo mutation in multiple individuals with features consistent with U2AF2-related neurodevelopmental disorder (Li, 2024; Ambry internal data). Additionally, another alteration at the same codon, c.448C>T (p.R150C), was reported de novo in multiple individuals with features consistent with U2AF2-related neurodevelopmental disorder (Li, 2024). This amino acid position is highly conserved in available vertebrate species. This missense alteration is located in a region that has a low rate of benign missense variation (Lek, 2016; Firth, 2009). This alteration is predicted to be tolerated by in silico analysis. Based on the available evidence, this alteration is classified as pathogenic.

Literature cited by the submitters: PubMed 37962958 (cited by Ambry Genetics).